The following is an entry in ClinVar:

NM_001127208.3(TET2):c.3691C>G (p.Leu1231Val)

Genes: TET2 (tet methylcytosine dioxygenase 2; plus strand), TET2-AS1 (TET2 antisense RNA 1; minus strand). Cytogenetic location: 4q24.
Variant type: single nucleotide variant.
Coding change: c.3691C>G on transcript NM_001127208.3 (MANE Select); coding-DNA position 3691, C replaced by G.
Protein change: p.Leu1231Val; replaces leucine 1231 with valine.
Molecular consequence: missense variant.
Genome position (GRCh38, 1-based): chr4:105,243,666, C>G. VCF-style: chr4-105243666-C-G. GRCh37 (hg19) VCF-style: chr4-106164823-C-G.
Other names: short protein forms L1231V.
Identifiers: ClinVar variation 4708622 (VCV004708622.1).
Genomic context (GRCh38, chr4:105,243,666, plus strand): 5'-TGTTTGGTGCGGGAGCGAGCTGGCCACACCTGTGAGGCTGCAGTGATTGTGATTCTCATC[C>G]TGGTGTGGGAAGGAATCCCGCTGTCTCTGGCTGACAAACTCTACTCGGAGCTTACCGAGA-3'
Protein context (NP_001120680.1, residues 1221-1241): CEAAVIVILI[Leu1231Val]VWEGIPLSLA

ClinVar aggregate classification (germline): Uncertain significance (1 of 4 stars; one submission).

Submission:

Labcorp Genetics (formerly Invitae), Labcorp
Classification: Uncertain significance. Last evaluated: 2025-10-16. Review status: criteria provided, single submitter. Criteria: Invitae Variant Classification Sherloc (09022015). Collection method: clinical testing. Allele origin: germline.
Comment: This sequence change replaces leucine, which is neutral and non-polar, with valine, which is neutral and non-polar, at codon 1231 of the TET2 protein (p.Leu1231Val). This variant is present in population databases (no rsID available, gnomAD 0.05%). This variant has not been reported in the literature in individuals affected with TET2-related conditions. An algorithm developed to predict the effect of missense changes on protein structure and function (PolyPhen-2) suggests that this variant is likely to be disruptive. In summary, the available evidence is currently insufficient to determine the role of this variant in disease. Therefore, it has been classified as a Variant of Uncertain Significance.